The following is an entry in ClinVar:

NM_001081550.2(THOC2):c.2635C>G (p.Gln879Glu)

Gene: THOC2 (THO complex subunit 2; minus strand). Cytogenetic location: Xq25.
Variant type: single nucleotide variant.
Coding change: c.2635C>G on transcript NM_001081550.2 (MANE Select); coding-DNA position 2635, C replaced by G.
Protein change: p.Gln879Glu; replaces glutamine 879 with glutamic acid.
Molecular consequence: missense variant.
Genome position (GRCh38, 1-based): chrX:123,627,815, G>C on the plus strand (C>G on the coding strand, the complement: THOC2 is on the minus strand). VCF-style: chrX-123627815-G-C. GRCh37 (hg19) VCF-style: chrX-122761666-G-C.
Other names: short protein forms Q879E.
Identifiers: ClinVar variation 3372919 (VCV003372919.1).

ClinVar aggregate classification (germline): Uncertain significance (1 of 4 stars; one submission).

gnomAD v4.1: 2 of 1,211,574 alleles (0.00017%); highest among the groups gnomAD compares: Non-Finnish European, 0.00022%; no homozygotes.

Submission:

GeneDx
Classification: Uncertain significance. Last evaluated: 2024-04-21. Review status: criteria provided, single submitter. Criteria: GeneDx Variant Classification Process June 2021. Collection method: clinical testing. Allele origin: germline. Affected: yes.
Comment: Not observed at significant frequency in large population cohorts (gnomAD); In silico analysis indicates that this missense variant does not alter protein structure/function; Has not been previously published as pathogenic or benign to our knowledge